The following is an entry in ClinVar:

ClinVar aggregate classification (germline): Uncertain significance (1 of 4 stars; one submission).

Submission:

Labcorp Genetics (formerly Invitae), Labcorp
Classification: Uncertain significance. Last evaluated: 2022-10-18. Review status: criteria provided, single submitter. Criteria: Invitae Variant Classification Sherloc (09022015). Collection method: clinical testing. Allele origin: germline.
Comment: In summary, the available evidence is currently insufficient to determine the role of this variant in disease. Therefore, it has been classified as a Variant of Uncertain Significance. Advanced modeling of protein sequence and biophysical properties (such as structural, functional, and spatial information, amino acid conservation, physicochemical variation, residue mobility, and thermodynamic stability) performed at Invitae indicates that this missense variant is not expected to disrupt ABHD12 protein function. This variant has not been reported in the literature in individuals affected with ABHD12-related conditions. This variant is not present in population databases (gnomAD no frequency). This sequence change replaces phenylalanine, which is neutral and non-polar, with leucine, which is neutral and non-polar, at codon 111 of the ABHD12 protein (p.Phe111Leu).

NM_001042472.3(ABHD12):c.333C>A (p.Phe111Leu)

Gene: ABHD12 (abhydrolase domain containing 12, lysophospholipase; minus strand). Cytogenetic location: 20p11.21.
Variant type: single nucleotide variant.
Coding change: c.333C>A on transcript NM_001042472.3 (MANE Select); coding-DNA position 333, C replaced by A.
Protein change: p.Phe111Leu; replaces phenylalanine 111 with leucine.
Molecular consequence: missense variant.
Genome position (GRCh38, 1-based): chr20:25,323,414, G>T on the plus strand (C>A on the coding strand, the complement: ABHD12 is on the minus strand). VCF-style: chr20-25323414-G-T. GRCh37 (hg19) VCF-style: chr20-25304050-G-T.
Other names: c.333C>A, p.Phe111Leu (NM_015600.5); short protein forms F111L.
Identifiers: ClinVar variation 1715306 (VCV001715306.5), dbSNP rs2145980356, ClinGen allele CA408444968.